The following is an entry in ClinVar:

NM_001384732.1(CPLANE1):c.5900G>C (p.Gly1967Ala)

Gene: CPLANE1 (ciliogenesis and planar polarity effector complex subunit 1; minus strand). Cytogenetic location: 5p13.2.
Variant type: single nucleotide variant.
Coding change: c.5900G>C on transcript NM_001384732.1 (MANE Select); coding-DNA position 5900, G replaced by C.
Protein change: p.Gly1967Ala; replaces glycine 1967 with alanine.
Molecular consequence: missense variant.
Genome position (GRCh38, 1-based): chr5:37,177,621, C>G on the plus strand (G>C on the coding strand, the complement: CPLANE1 is on the minus strand). VCF-style: chr5-37177621-C-G. GRCh37 (hg19) VCF-style: chr5-37177723-C-G.
Other names: c.5900G>C (NM_023073.3); c.5900G>C, p.Gly1967Ala (NM_023073.4); short protein forms G1967A.
Identifiers: ClinVar variation 1026845 (VCV001026845.7), dbSNP rs138049045, ClinGen allele CA3238417.
Genomic context (GRCh38, chr5:37,177,621, plus strand): 5'-AGCTGAAAGCTTCACTGAGGTAACCAGTGACAATCACTGTCATACTTTTTTCCCCCTTAC[C>G]CTTTTTGTTCAGTCGATTTTTCCTCCATAATTGTCTCCAGTGGTTCTTCCCTTTGACACT-3'
Protein context (NP_001371661.1, residues 1957-1977): IMEEKSTEQK[Gly1967Ala]MIEAFSHPGH

ClinVar aggregate classification (germline): Uncertain significance. Review status: criteria provided, multiple submitters, no conflicts (2 of 4 stars). 3 submissions from 3 submitters: Uncertain significance (3). Last evaluated 2024-10-23.

Conditions:
Joubert syndrome 17 (JBTS17). Identifiers: Orphanet 475, MedGen C3553264, MONDO:0013824, OMIM 614615.
Orofaciodigital syndrome type 6 (OFD6). Also called: OROFACIODIGITAL SYNDROME VI; OFDS VI; POLYDACTYLY, CLEFT LIP/PALATE OR LINGUAL LUMP, AND PSYCHOMOTOR RETARDATION; VARADI SYNDROME; VARADI-PAPP SYNDROME; Oral-facial-digital syndrome type 6. Identifiers: Orphanet 2754, MedGen C2745997, MONDO:0010176, OMIM 277170.

Allele frequency attached by ClinVar (database versions not stated): ESP Exome Variant Server 0.00008; ExAC 0.00012; gnomAD exomes 0.00012.
gnomAD v4.1: 79 of 1,611,522 alleles (0.0049%); highest among the groups gnomAD compares: South Asian, 0.046%; 1 homozygote.

Submissions (3):

Labcorp Genetics (formerly Invitae), Labcorp
Classification: Uncertain significance. Last evaluated: 2024-10-23. Review status: criteria provided, single submitter. Criteria: Invitae Variant Classification Sherloc (09022015). Collection method: clinical testing. Allele origin: germline.
Comment: This sequence change replaces glycine, which is neutral and non-polar, with alanine, which is neutral and non-polar, at codon 1967 of the CPLANE1 protein (p.Gly1967Ala). This variant also falls at the last nucleotide of exon 30, which is part of the consensus splice site for this exon. This variant is present in population databases (rs138049045, gnomAD 0.05%). This variant has not been reported in the literature in individuals affected with CPLANE1-related conditions. ClinVar contains an entry for this variant (Variation ID: 1026845). An algorithm developed to predict the effect of missense changes on protein structure and function (PolyPhen-2) suggests that this variant¬†is likely to be tolerated. Variants that disrupt the consensus splice site are a relatively common cause of aberrant splicing (PMID: 17576681, 9536098). Algorithms developed to predict the effect of sequence changes on RNA splicing suggest that this variant may create or strengthen a splice site. In summary, the available evidence is currently insufficient to determine the role of this variant in disease. Therefore, it has been classified as a Variant of Uncertain Significance.

Blueprint Genetics
Classification: Uncertain significance. Last evaluated: 2024-07-29. Review status: criteria provided, single submitter. Criteria: ACMG Guidelines, 2015. Collection method: clinical testing. Allele origin: germline.

Fulgent Genetics
Classification: Uncertain significance for Orofaciodigital syndrome type 6; Joubert syndrome 17. Last evaluated: 2024-06-12. Review status: criteria provided, single submitter. Criteria: ACMG Guidelines, 2015. Collection method: clinical testing. Allele origin: germline.

Literature cited by the submitters: PubMed 17576681 (cited by Labcorp Genetics (formerly Invitae), Labcorp); PubMed 9536098 (cited by Labcorp Genetics (formerly Invitae), Labcorp).